The following is an entry in ClinVar:

ClinVar aggregate classification (germline): Uncertain significance (1 of 4 stars; one submission).

Submission:

Mayo Clinic Laboratories, Mayo Clinic
Classification: Uncertain significance. Last evaluated: 2025-02-22. Review status: criteria provided, single submitter. Criteria: ACMG Guidelines, 2015. Collection method: clinical testing. Allele origin: germline. Observed: 1 variant allele.
Comment: PM2_supporting

NM_007098.4(CLTCL1):c.4042-10_4042-8del

Gene: CLTCL1 (clathrin heavy chain like 1; minus strand). Cytogenetic location: 22q11.21.
Variant type: Microsatellite.
Coding change: c.4042-10_4042-8del on transcript NM_007098.4 (MANE Select); 10 bases into the intron before coding-DNA position 4042 through 8 bases into the intron before coding-DNA position 4042, 3 bases deleted (CCT; older notation c.4042-10_4042-8delCCT).
Molecular consequence: intron variant.
Genome position (GRCh38, 1-based): chr22:19,196,423-19,196,425, AGG deleted on the plus strand (CCT on the coding strand, the reverse complement: CLTCL1 is on the minus strand); deleting any 3 consecutive bases within chr22:19,196,423-19,196,428 gives the same sequence; the c. name uses the placement nearest the transcript's 3' end. VCF-style (leftmost placement, unchanged base first): chr22-19196422-AAGG-A. GRCh37 (hg19) VCF-style: chr22-19183933-AAGG-A.
Other names: p.?; c.4042-10_4042-8del (NM_001835.4).
Identifiers: ClinVar variation 4542423 (VCV004542423.1).